The following is an entry in ClinVar:

ClinVar aggregate classification (germline): Uncertain significance. Review status: criteria provided, multiple submitters, no conflicts (2 of 4 stars). 2 submissions from 2 submitters: Uncertain significance (2). Last evaluated 2024-03-05.

Conditions:
Cardiomyopathy (CMYO). Also called: Cardiomyopathies. Identifiers: Orphanet 167848, MedGen C0878544, MONDO:0004994, HP:0001638. Inheritance: Various modes of inheritance.
Hypertrophic cardiomyopathy. Also called: HYPERTROPHIC MYOCARDIOPATHY. Identifiers: Orphanet 217569, MedGen C0007194, MeSH D002312, MONDO:0005045, HP:0001639.

Submissions (2):

All of Us Research Program, National Institutes of Health
Classification: Uncertain significance for Cardiomyopathy. Last evaluated: 2024-03-05. Review status: criteria provided, single submitter. Criteria: ACMG Guidelines, 2015. Collection method: clinical testing. Allele origin: germline. Inheritance: Autosomal dominant inheritance. Observed: 1 variant allele, 1 heterozygote.
Comment: This study involves interpretation of variants in research participants for the purpose of population health screening. Participant phenotype was not available at the time of variant classification. Additional details can be found in publication PMID: 35346344, PMCID: PMC8962531

Labcorp Genetics (formerly Invitae), Labcorp
Classification: Uncertain significance for Hypertrophic cardiomyopathy. Last evaluated: 2022-05-04. Review status: criteria provided, single submitter. Criteria: Invitae Variant Classification Sherloc (09022015). Collection method: clinical testing. Allele origin: germline.
Comment: This sequence change replaces isoleucine, which is neutral and non-polar, with threonine, which is neutral and polar, at codon 751 of the MYH7 protein (p.Ile751Thr). In summary, the available evidence is currently insufficient to determine the role of this variant in disease. Therefore, it has been classified as a Variant of Uncertain Significance. This variant is found within a region of MYH7 between codons 181 and 937 that contains the majority of the myosin head domain. Missense variants in this region have been shown to be significantly overrepresented in individuals with hypertrophic cardiomyopathy (PMID: 27532257). Algorithms developed to predict the effect of missense changes on protein structure and function (SIFT, PolyPhen-2, Align-GVGD) all suggest that this variant is likely to be disruptive. ClinVar contains an entry for this variant (Variation ID: 1000856). This variant has not been reported in the literature in individuals affected with MYH7-related conditions. This variant is not present in population databases (gnomAD no frequency).

Literature cited by the submitters: PubMed 27532257 (cited by Labcorp Genetics (formerly Invitae), Labcorp).

NM_000257.4(MYH7):c.2252T>C (p.Ile751Thr)

Gene: MYH7 (myosin heavy chain 7; minus strand). Cytogenetic location: 14q11.2.
Variant type: single nucleotide variant.
Coding change: c.2252T>C on transcript NM_000257.4 (MANE Select); coding-DNA position 2252, T replaced by C.
Protein change: p.Ile751Thr; replaces isoleucine 751 with threonine.
Molecular consequence: missense variant.
Genome position (GRCh38, 1-based): chr14:23,425,729, A>G on the plus strand (T>C on the coding strand, the complement: MYH7 is on the minus strand). VCF-style: chr14-23425729-A-G. GRCh37 (hg19) VCF-style: chr14-23894938-A-G.
Other names: short protein forms I751T.
Identifiers: ClinVar variation 1000856 (VCV001000856.9), dbSNP rs1892667923, ClinGen allele CA389048820.